The following is an entry in ClinVar:

ClinVar aggregate classification (germline): Uncertain significance (1 of 4 stars; one submission).

Allele frequency attached by ClinVar (database versions not stated): gnomAD 0.00001.
gnomAD v4.1: 12 of 1,613,844 alleles (0.00074%); highest among the groups gnomAD compares: Admixed American, 0.0033%; no homozygotes.

Submission:

Labcorp Genetics (formerly Invitae), Labcorp
Classification: Uncertain significance. Last evaluated: 2023-01-17. Review status: criteria provided, single submitter. Criteria: Invitae Variant Classification Sherloc (09022015). Collection method: clinical testing. Allele origin: germline.
Comment: In summary, the available evidence is currently insufficient to determine the role of this variant in disease. Therefore, it has been classified as a Variant of Uncertain Significance. Algorithms developed to predict the effect of missense changes on protein structure and function (SIFT, PolyPhen-2, Align-GVGD) all suggest that this variant is likely to be tolerated. This variant has not been reported in the literature in individuals affected with ALPK3-related conditions. This variant is present in population databases (no rsID available, gnomAD 0.003%). This sequence change replaces glutamic acid, which is acidic and polar, with lysine, which is basic and polar, at codon 405 of the ALPK3 protein (p.Glu405Lys).

NM_020778.5(ALPK3):c.607G>A (p.Glu203Lys)

Gene: ALPK3 (alpha kinase 3; plus strand). Cytogenetic location: 15q25.3.
Variant type: single nucleotide variant.
Coding change: c.607G>A on transcript NM_020778.5 (MANE Select); coding-DNA position 607, G replaced by A.
Protein change: p.Glu203Lys; replaces glutamic acid 203 with lysine.
Molecular consequence: missense variant.
Genome position (GRCh38, 1-based): chr15:84,839,886, G>A. VCF-style: chr15-84839886-G-A. GRCh37 (hg19) VCF-style: chr15-85383117-G-A.
Other names: short protein forms E203K.
Identifiers: ClinVar variation 2899983 (VCV002899983.3), dbSNP rs765142581, ClinGen allele CA393373074.